The following is an entry in ClinVar:

NM_004821.3(HAND1):c.337G>T (p.Ala113Ser)

Gene: HAND1 (heart and neural crest derivatives expressed 1; minus strand). Cytogenetic location: 5q33.2.
Variant type: single nucleotide variant.
Coding change: c.337G>T on transcript NM_004821.3 (MANE Select); coding-DNA position 337, G replaced by T.
Protein change: p.Ala113Ser; replaces alanine 113 with serine.
Molecular consequence: missense variant.
Genome position (GRCh38, 1-based): chr5:154,477,672, C>A on the plus strand (G>T on the coding strand, the complement: HAND1 is on the minus strand). VCF-style: chr5-154477672-C-A. GRCh37 (hg19) VCF-style: chr5-153857232-C-A.
Other names: short protein forms A113S.
Identifiers: ClinVar variation 4729284 (VCV004729284.1).

ClinVar aggregate classification (germline): Uncertain significance (1 of 4 stars; one submission).

Conditions:
Hypoplastic left heart syndrome. Also called: Hypoplastic left heart; Hypoplastic left ventricle. Identifiers: Orphanet 2248, MedGen C0152101, MONDO:0004933, HP:0004383.

gnomAD v4.1: 1 of 1,614,240 alleles (0.000062%); highest among the groups gnomAD compares: Non-Finnish European, 0.000085%; no homozygotes.

Submission:

Labcorp Genetics (formerly Invitae), Labcorp
Classification: Uncertain significance for Hypoplastic left heart syndrome. Last evaluated: 2025-10-20. Review status: criteria provided, single submitter. Criteria: Invitae Variant Classification Sherloc (09022015). Collection method: clinical testing. Allele origin: germline.
Comment: This sequence change replaces alanine, which is neutral and non-polar, with serine, which is neutral and polar, at codon 113 of the HAND1 protein (p.Ala113Ser). This variant is not present in population databases (gnomAD no frequency). This variant has not been reported in the literature in individuals affected with HAND1-related conditions. An algorithm developed to predict the effect of missense changes on protein structure and function (PolyPhen-2) suggests that this variant is likely to be disruptive. In summary, the available evidence is currently insufficient to determine the role of this variant in disease. Therefore, it has been classified as a Variant of Uncertain Significance.